The following is an entry in ClinVar:

NM_005530.3(IDH3A):c.779+1G>A

Gene: IDH3A (isocitrate dehydrogenase (NAD(+)) 3 catalytic subunit alpha; plus strand). Cytogenetic location: 15q25.1.
Variant type: single nucleotide variant.
Coding change: c.779+1G>A on transcript NM_005530.3 (MANE Select); the canonical splice donor site of the intron after coding-DNA position 779, G replaced by A.
Molecular consequence: splice donor variant.
Genome position (GRCh38, 1-based): chr15:78,163,781, G>A. VCF-style: chr15-78163781-G-A. GRCh37 (hg19) VCF-style: chr15-78456123-G-A.
Identifiers: ClinVar variation 1480640 (VCV001480640.8), dbSNP rs2074708654, ClinGen allele CA393545675.

ClinVar aggregate classification (germline): Likely pathogenic (1 of 4 stars; one submission).

Allele frequency attached by ClinVar (database versions not stated): gnomAD exomes below 0.00001; TOPMed below 0.00001; gnomAD 0.00001.
gnomAD v4.1: 2 of 1,602,186 alleles (0.00012%); highest among the groups gnomAD compares: African/African-American, 0.0013%; no homozygotes.

Submission:

Labcorp Genetics (formerly Invitae), Labcorp
Classification: Likely pathogenic. Last evaluated: 2025-09-02. Review status: criteria provided, single submitter. Criteria: Invitae Variant Classification Sherloc (09022015). Collection method: clinical testing. Allele origin: germline.
Comment: This sequence change affects a donor splice site in intron 8 of the IDH3A gene. It is expected to disrupt RNA splicing. Variants that disrupt the donor or acceptor splice site typically lead to a loss of protein function (PMID: 16199547), and loss-of-function variants in IDH3A are known to be pathogenic (PMID: 28412069). This variant is not present in population databases (gnomAD no frequency). This variant has not been reported in the literature in individuals affected with IDH3A-related conditions. ClinVar contains an entry for this variant (Variation ID: 1480640). Algorithms developed to predict the effect of sequence changes on RNA splicing suggest that this variant may disrupt the consensus splice site. In summary, the currently available evidence indicates that the variant is pathogenic, but additional data are needed to prove that conclusively. Therefore, this variant has been classified as Likely Pathogenic.

Literature cited by the submitters: PubMed 16199547; PubMed 28412069.